The following is an entry in ClinVar:

ClinVar aggregate classification (germline): Uncertain significance (1 of 4 stars; one submission).

Submission:

Labcorp Genetics (formerly Invitae), Labcorp
Classification: Uncertain significance. Last evaluated: 2024-11-08. Review status: criteria provided, single submitter. Criteria: Invitae Variant Classification Sherloc (09022015). Collection method: clinical testing. Allele origin: germline.
Comment: This sequence change replaces isoleucine, which is neutral and non-polar, with methionine, which is neutral and non-polar, at codon 209 of the MMP14 protein (p.Ile209Met). This variant is not present in population databases (gnomAD no frequency). This variant has not been reported in the literature in individuals affected with MMP14-related conditions. Invitae Evidence Modeling of protein sequence and biophysical properties (such as structural, functional, and spatial information, amino acid conservation, physicochemical variation, residue mobility, and thermodynamic stability) indicates that this missense variant is not expected to disrupt MMP14 protein function with a negative predictive value of 80%. In summary, the available evidence is currently insufficient to determine the role of this variant in disease. Therefore, it has been classified as a Variant of Uncertain Significance.

NM_004995.4(MMP14):c.627T>G (p.Ile209Met)

Gene: MMP14 (matrix metallopeptidase 14; plus strand). Cytogenetic location: 14q11.2.
Variant type: single nucleotide variant.
Coding change: c.627T>G on transcript NM_004995.4 (MANE Select); coding-DNA position 627, T replaced by G.
Protein change: p.Ile209Met; replaces isoleucine 209 with methionine.
Molecular consequence: missense variant.
Genome position (GRCh38, 1-based): chr14:22,842,656, T>G. VCF-style: chr14-22842656-T-G. GRCh37 (hg19) VCF-style: chr14-23311865-T-G.
Other names: short protein forms I209M.
Identifiers: ClinVar variation 3665215 (VCV003665215.2).